The following is an entry in ClinVar:

ClinVar aggregate classification (germline): Uncertain significance (1 of 4 stars; one submission).

Allele frequency attached by ClinVar (database versions not stated): gnomAD exomes below 0.00001.
gnomAD v4.1: 2 of 1,614,152 alleles (0.00012%); highest among the groups gnomAD compares: Non-Finnish European, 0.00017%; no homozygotes.

Submission:

Women's Health and Genetics/Laboratory Corporation of America, LabCorp
Classification: Uncertain significance. Last evaluated: 2024-02-28. Review status: criteria provided, single submitter. Criteria: LabCorp Variant Classification Summary - May 2015. Collection method: clinical testing. Allele origin: germline.
Comment: Variant summary: UBTF c.122A>G (p.Asn41Ser) results in a conservative amino acid change in the encoded protein sequence. Four of five in-silico tools predict a benign effect of the variant on protein function. The variant was absent in 251494 control chromosomes (gnomAD). The available data on variant occurrences in the general population are insufficient to allow any conclusion about variant significance. To our knowledge, no occurrence of c.122A>G in individuals affected with Childhood-Onset Motor And Cognitive Regression Syndrome With Extrapyramidal Movement Disorder and no experimental evidence demonstrating its impact on protein function have been reported. No submitters have cited clinical-significance assessments for this variant to ClinVar. Based on the evidence outlined above, the variant was classified as uncertain significance.

NM_014233.4(UBTF):c.122A>G (p.Asn41Ser)

Genes: ATXN7L3-AS1 (ATXN7L3 antisense RNA 1; plus strand), UBTF (upstream binding transcription factor; minus strand). Cytogenetic location: 17q21.31.
Variant type: single nucleotide variant.
Coding change: c.122A>G on transcript NM_014233.4 (MANE Select); coding-DNA position 122, A replaced by G.
Protein change: p.Asn41Ser; replaces asparagine 41 with serine.
Molecular consequence: missense variant. On other transcripts: non-coding transcript variant (1).
Genome position (GRCh38, 1-based): chr17:44,216,641, T>C on the plus strand (A>G on the coding strand, the complement: UBTF is on the minus strand). VCF-style: chr17-44216641-T-C. GRCh37 (hg19) VCF-style: chr17-42294009-T-C.
Other names: c.122A>G, p.Asn41Ser (NM_001076683.2, NM_001076684.3); short protein forms N41S.
Identifiers: ClinVar variation 3069083 (VCV003069083.2), dbSNP rs2509938535, ClinGen allele CA399769584.